The following is an entry in ClinVar:

NM_001001563.5(TIMM50):c.941G>T (p.Arg314Leu)

Gene: TIMM50 (translocase of inner mitochondrial membrane 50; plus strand). Cytogenetic location: 19q13.2.
Variant type: single nucleotide variant.
Coding change: c.941G>T on transcript NM_001001563.5 (MANE Select); coding-DNA position 941, G replaced by T.
Protein change: p.Arg314Leu; replaces arginine 314 with leucine.
Molecular consequence: missense variant.
Genome position (GRCh38, 1-based): chr19:39,488,626, G>T. VCF-style: chr19-39488626-G-T. GRCh37 (hg19) VCF-style: chr19-39979266-G-T.
Other names: c.602G>T, p.Arg201Leu (NM_001329559.2); short protein forms R201L, R314L.
Identifiers: ClinVar variation 1483082 (VCV001483082.8), dbSNP rs746734080, ClinGen allele CA405790450.

ClinVar aggregate classification (germline): Uncertain significance (1 of 4 stars; one submission).

gnomAD v4.1: 2 of 1,613,680 alleles (0.00012%); no homozygotes.

Submission:

Labcorp Genetics (formerly Invitae), Labcorp
Classification: Uncertain significance. Last evaluated: 2024-10-23. Review status: criteria provided, single submitter. Criteria: Invitae Variant Classification Sherloc (09022015). Collection method: clinical testing. Allele origin: germline.
Comment: This sequence change replaces arginine, which is basic and polar, with leucine, which is neutral and non-polar, at codon 417 of the TIMM50 protein (p.Arg417Leu). This variant is present in population databases (no rsID available, gnomAD 0.0009%). This variant has not been reported in the literature in individuals affected with TIMM50-related conditions. ClinVar contains an entry for this variant (Variation ID: 1483082). An algorithm developed to predict the effect of missense changes on protein structure and function (PolyPhen-2) suggests that this variant is likely to be disruptive. In summary, the available evidence is currently insufficient to determine the role of this variant in disease. Therefore, it has been classified as a Variant of Uncertain Significance.